The following is an entry in ClinVar:

ClinVar aggregate classification (germline): Uncertain significance (1 of 4 stars; one submission).

gnomAD v4.1: 1 of 1,614,250 alleles (0.000062%); highest among the groups gnomAD compares: Admixed American, 0.0017%; no homozygotes.

Submission:

Athena Diagnostics
Classification: Uncertain significance. Last evaluated: 2025-04-18. Review status: criteria provided, single submitter. Criteria: Athena Diagnostics Criteria. Collection method: clinical testing. Allele origin: unknown.
Comment: Available data are insufficient to determine the clinical significance of the variant at this time. The frequency of this variant in the general population is uninformative in assessment of its pathogenicity. Polyphen and MutationTaster predict this amino acid change may be benign.

NM_000702.4(ATP1A2):c.1718T>C (p.Leu573Pro)

Gene: ATP1A2 (ATPase Na+/K+ transporting subunit alpha 2; plus strand). Cytogenetic location: 1q23.2.
Variant type: single nucleotide variant.
Coding change: c.1718T>C on transcript NM_000702.4 (MANE Select); coding-DNA position 1718, T replaced by C.
Protein change: p.Leu573Pro; replaces leucine 573 with proline.
Molecular consequence: missense variant.
Genome position (GRCh38, 1-based): chr1:160,130,488, T>C. VCF-style: chr1-160130488-T-C. GRCh37 (hg19) VCF-style: chr1-160100278-T-C.
Other names: short protein forms L573P.
Identifiers: ClinVar variation 4682264 (VCV004682264.1).